The following is an entry in ClinVar:

ClinVar aggregate classification (germline): Uncertain significance (1 of 4 stars; one submission).

Conditions:
Hereditary breast ovarian cancer syndrome. Also called: Hereditary breast and/or ovarian cancer syndrome; BRCA1- and BRCA2-Associated Hereditary Breast and Ovarian Cancer; Hereditary breast and ovarian cancer syndrome; Hereditary breast and ovarian cancer; Hereditary breast and ovarian cancer syndrome (HBOC); Breast and ovarian cancer. Identifiers: Orphanet 145, MedGen C0677776, MeSH D061325, MONDO:0003582. Disease mechanism: loss of function.

Submissions (2):

Labcorp Genetics (formerly Invitae), Labcorp
Classification: Uncertain significance for Hereditary breast ovarian cancer syndrome. Last evaluated: 2023-11-25. Review status: criteria provided, single submitter. Criteria: Invitae Variant Classification Sherloc (09022015). Collection method: clinical testing. Allele origin: germline.
Comment: This sequence change replaces lysine, which is basic and polar, with glutamic acid, which is acidic and polar, at codon 38 of the BRCA1 protein (p.Lys38Glu). This variant is not present in population databases (gnomAD no frequency). This variant has not been reported in the literature in individuals affected with BRCA1-related conditions. ClinVar contains an entry for this variant (Variation ID: 865129). Advanced modeling performed at Invitae incorporating data from internal and/or published experimental studies (PMID: 30209399) indicates that this missense variant is not expected to disrupt BRCA1 function with a negative predictive value of 95%. Experimental studies have shown that this missense change does not substantially affect BRCA1 function (PMID: 30209399). In summary, the available evidence is currently insufficient to determine the role of this variant in disease. Therefore, it has been classified as a Variant of Uncertain Significance.

Brotman Baty Institute, University of Washington
No classification provided (evidence only). Condition: Breast-ovarian cancer, familial 1. Review status: no classification provided. Collection method: in vitro. Allele origin: not applicable. Functional consequence: functionally_normal. Not counted in ClinVar's aggregate classification.
ClinVar note: "not provided" was previously submitted as the classification for the variant. However, the classification appeared to be based only on an observation of functional data so it was converted to no classification on 2025-07-30.

Literature cited by the submitters: PubMed 30209399 (cited by Labcorp Genetics (formerly Invitae), Labcorp).

NM_007294.4(BRCA1):c.112A>G (p.Lys38Glu)

Gene: BRCA1 (BRCA1 DNA repair associated; minus strand). Cytogenetic location: 17q21.31.
Variant type: single nucleotide variant.
Coding change: c.112A>G on transcript NM_007294.4 (MANE Select); coding-DNA position 112, A replaced by G.
Protein change: p.Lys38Glu; replaces lysine 38 with glutamic acid.
Molecular consequence: missense variant. On other transcripts: non-coding transcript variant (1), intron variant (1).
Genome position (GRCh38, 1-based): chr17:43,115,748, T>C on the plus strand (A>G on the coding strand, the complement: BRCA1 is on the minus strand). VCF-style: chr17-43115748-T-C. GRCh37 (hg19) VCF-style: chr17-41267765-T-C.
Other names: c.-77A>G (NM_001407571.1, NM_001407853.1, NM_001407879.1 and 52 more transcripts); c.112A>G, p.Lys38Glu (NM_001407581.1, NM_001407582.1, NM_001407583.1 and 192 more transcripts); c.-146A>G (NM_001407727.1, NM_001407731.1, NM_001407733.1 and 13 more transcripts); c.-30A>G (NM_001407728.1, NM_001407729.1, NM_001407730.1 and 47 more transcripts); c.-26A>G (NM_001407841.1); c.-193A>G (NM_001407889.1, NM_001407900.1, NM_001408492.1); c.-192A>G (NM_001407960.1, NM_001407962.1, NM_001408510.1 and 1 more transcripts); c.-308A>G (NM_001407965.1); and 2 more; short protein forms K38E.
Identifiers: ClinVar variation 865129 (VCV000865129.8), dbSNP rs2055252323, ClinGen allele CA10601933.